The following is an entry in ClinVar:

ClinVar aggregate classification (germline): Uncertain significance (1 of 4 stars; one submission).

Conditions:
Inborn genetic diseases. Identifiers: MedGen C0950123, MeSH D030342.

Submission:

Ambry Genetics
Classification: Uncertain significance for Inborn genetic diseases. Last evaluated: 2026-01-05. Review status: criteria provided, single submitter. Criteria: Ambry Variant Classification Scheme 2023. Collection method: clinical testing. Allele origin: germline.
Comment: The c.5394G>A (p.M1798I) alteration is located in exon 18 (coding exon 16) of the KAT6B gene. This alteration results from a G to A substitution at nucleotide position 5394, causing the methionine (M) at amino acid position 1798 to be replaced by an isoleucine (I). Based on data from gnomAD, the A allele has an overall frequency of <0.001% (1/251396) total alleles studied. The highest observed frequency was 0.003% (1/30616) of South Asian alleles. Based on insufficient or conflicting evidence, the clinical significance of this alteration remains unclear.

NM_012330.4(KAT6B):c.5394G>A (p.Met1798Ile)

Gene: KAT6B (lysine acetyltransferase 6B; plus strand). Cytogenetic location: 10q22.2.
Variant type: single nucleotide variant.
Coding change: c.5394G>A on transcript NM_012330.4 (MANE Select); coding-DNA position 5394, G replaced by A.
Protein change: p.Met1798Ile; replaces methionine 1798 with isoleucine.
Molecular consequence: missense variant.
Genome position (GRCh38, 1-based): chr10:75,030,218, G>A. VCF-style: chr10-75030218-G-A. GRCh37 (hg19) VCF-style: chr10-76789976-G-A.
Other names: c.4845G>A, p.Met1615Ile (NM_001256468.2, NM_001370138.1); c.4518G>A, p.Met1506Ile (NM_001256469.2, NM_001370139.1, NM_001370140.1 and 2 more transcripts); c.4356G>A, p.Met1452Ile (NM_001370132.1); c.3705G>A, p.Met1235Ile (NM_001370133.1); c.3309G>A, p.Met1103Ile (NM_001370134.1); c.3051G>A, p.Met1017Ile (NM_001370135.1); c.5394G>A, p.Met1798Ile (NM_001370136.1, NM_001370137.1); c.4329G>A, p.Met1443Ile (NM_001370143.1, NM_001370144.1); short protein forms M1798I, M1017I, M1103I, M1235I, M1443I, M1452I, M1615I, M1506I.
Identifiers: ClinVar variation 4830858 (VCV004830858.1).
Genomic context (GRCh38, chr10:75,030,218, plus strand): 5'-CATGCAGCTGGCTGAAATCCCCGAGACGAGCAACGCCAACATTGGCTTATACGAGCGAAT[G>A]GGTCAGAGTGATTTTGGGGCTGGGCATTACCCGCAGCCGTCAGCCACCTTCAGCCTTGCC-3'
Protein context (NP_036462.2, residues 1788-1808): SNANIGLYER[Met1798Ile]GQSDFGAGHY